The following is an entry in ClinVar:

ClinVar aggregate classification (germline): Uncertain significance (1 of 4 stars; one submission).

Conditions:
Hypertrophic cardiomyopathy. Also called: HYPERTROPHIC MYOCARDIOPATHY. Identifiers: Orphanet 217569, MedGen C0007194, MeSH D002312, MONDO:0005045, HP:0001639.

Submission:

Labcorp Genetics (formerly Invitae), Labcorp
Classification: Uncertain significance for Hypertrophic cardiomyopathy. Last evaluated: 2020-05-15. Review status: criteria provided, single submitter. Criteria: Invitae Variant Classification Sherloc (09022015). Collection method: clinical testing. Allele origin: germline.
Comment: In summary, the available evidence is currently insufficient to determine the role of this variant in disease. Therefore, it has been classified as a Variant of Uncertain Significance. Algorithms developed to predict the effect of missense changes on protein structure and function (SIFT, PolyPhen-2, Align-GVGD) all suggest that this variant is likely to be disruptive, but these predictions have not been confirmed by published functional studies and their clinical significance is uncertain. This variant has not been reported in the literature in individuals with JPH2-related conditions. This variant is not present in population databases (ExAC no frequency). This sequence change replaces glycine with cysteine at codon 117 of the JPH2 protein (p.Gly117Cys). The glycine residue is highly conserved and there is a large physicochemical difference between glycine and cysteine.

NM_020433.5(JPH2):c.349G>T (p.Gly117Cys)

Gene: JPH2 (junctophilin 2; minus strand). Cytogenetic location: 20q13.12.
Variant type: single nucleotide variant.
Coding change: c.349G>T on transcript NM_020433.5 (MANE Select); coding-DNA position 349, G replaced by T.
Protein change: p.Gly117Cys; replaces glycine 117 with cysteine.
Molecular consequence: missense variant.
Genome position (GRCh38, 1-based): chr20:44,186,357, C>A on the plus strand (G>T on the coding strand, the complement: JPH2 is on the minus strand). VCF-style: chr20-44186357-C-A. GRCh37 (hg19) VCF-style: chr20-42814997-C-A.
Other names: c.349G>T, p.Gly117Cys (NM_175913.4); short protein forms G117C.
Identifiers: ClinVar variation 1003162 (VCV001003162.8), dbSNP rs1414551155, ClinGen allele CA409094982.
Genomic context (GRCh38, chr20:44,186,357, plus strand): 5'-CCACCTCTGCGGGCCCCCAGCTGGCCTCACCTCCATCAGCATAGGTCTCGGTGCCATAGC[C>A]GTCTTGCAGGCCATTGTTCCAGGTGCCCTCATACTTGGCACCGCTGCTTGAGCTCTGCCG-3'
Protein context (NP_065166.2, residues 107-127): EGTWNNGLQD[Gly117Cys]YGTETYADGG